The following is an entry in ClinVar:

ClinVar aggregate classification (germline): Uncertain significance (1 of 4 stars; one submission).

Conditions:
Pontocerebellar hypoplasia type 1A (PCH1A). Also called: PONTOCEREBELLAR HYPOPLASIA WITH ANTERIOR HORN CELL DISEASE; PONTOCEREBELLAR HYPOPLASIA WITH INFANTILE SPINAL MUSCULAR ATROPHY. Identifiers: Orphanet 2254, Orphanet 88616, MedGen C1843504, MONDO:0011866, OMIM 607596.

Allele frequency attached by ClinVar (database versions not stated): gnomAD exomes below 0.00001.
gnomAD v4.1: 1 of 1,606,318 alleles (0.000062%); highest among the groups gnomAD compares: Non-Finnish European, 0.000085%; no homozygotes.

Submission:

Labcorp Genetics (formerly Invitae), Labcorp
Classification: Uncertain significance for Pontocerebellar hypoplasia type 1A. Last evaluated: 2022-07-26. Review status: criteria provided, single submitter. Criteria: Invitae Variant Classification Sherloc (09022015). Collection method: clinical testing. Allele origin: germline.
Comment: This sequence change replaces arginine, which is basic and polar, with glycine, which is neutral and non-polar, at codon 391 of the VRK1 protein (p.Arg391Gly). This variant is not present in population databases (gnomAD no frequency). This variant has not been reported in the literature in individuals affected with VRK1-related conditions. Algorithms developed to predict the effect of missense changes on protein structure and function are either unavailable or do not agree on the potential impact of this missense change (SIFT: "Deleterious"; PolyPhen-2: "Benign"; Align-GVGD: "Class C0"). In summary, the available evidence is currently insufficient to determine the role of this variant in disease. Therefore, it has been classified as a Variant of Uncertain Significance.

NM_003384.3(VRK1):c.1171A>G (p.Arg391Gly)

Gene: VRK1 (VRK serine/threonine kinase 1; plus strand). Cytogenetic location: 14q32.2.
Variant type: single nucleotide variant.
Coding change: c.1171A>G on transcript NM_003384.3 (MANE Select); coding-DNA position 1171, A replaced by G.
Protein change: p.Arg391Gly; replaces arginine 391 with glycine.
Molecular consequence: missense variant.
Genome position (GRCh38, 1-based): chr14:96,881,188, A>G. VCF-style: chr14-96881188-A-G. GRCh37 (hg19) VCF-style: chr14-97347525-A-G.
Other names: c.1243A>G, p.Arg415Gly (NM_001411051.1); c.1168A>G, p.Arg390Gly (NM_001411053.1); short protein forms R391G, R390G, R415G.
Identifiers: ClinVar variation 2162288 (VCV002162288.1), dbSNP rs1889244895, ClinGen allele CA390932582.